The following is an entry in ClinVar:

ClinVar aggregate classification (germline): Likely benign. Review status: criteria provided, multiple submitters, no conflicts (2 of 4 stars). 3 submissions from 3 submitters: Likely benign (3). Last evaluated 2026-01-27.

Conditions:
Maturity-onset diabetes of the young (MODY). Also called: Maturity onset diabetes mellitus in young. Identifiers: Orphanet 552, MedGen C0342276, MONDO:0018911, HP:0004904.
HNF1B-related disorder. Also called: HNF1B-related condition; HNF1B-related disorders.

gnomAD v4.1: 41 of 1,607,268 alleles (0.0026%); highest among the groups gnomAD compares: African/African-American, 0.004%; no homozygotes.

Submissions (3):

PreventionGenetics, part of Exact Sciences
Classification: Likely benign for HNF1B-related condition. Last evaluated: 2026-01-27. Review status: criteria provided, single submitter. Criteria: ACMG Guidelines, 2015. Collection method: clinical testing. Allele origin: germline.
Comment: This variant is classified as likely benign based on ACMG/AMP sequence variant interpretation guidelines (Richards et al. 2015 PMID: 25741868, with internal and published modifications).

Labcorp Genetics (formerly Invitae), Labcorp
Classification: Likely benign. Last evaluated: 2025-06-15. Review status: criteria provided, single submitter. Criteria: Invitae Variant Classification Sherloc (09022015). Collection method: clinical testing. Allele origin: germline.

Ambry Genetics
Classification: Likely benign for Maturity-onset diabetes of the young. Last evaluated: 2023-11-17. Review status: criteria provided, single submitter. Criteria: Ambry Variant Classification Scheme 2023. Collection method: clinical testing. Allele origin: germline.

NM_000458.4(HNF1B):c.300C>G (p.Thr100=)

Gene: HNF1B (HNF1 homeobox B; minus strand). Cytogenetic location: 17q12.
Variant type: single nucleotide variant.
Coding change: c.300C>G on transcript NM_000458.4 (MANE Select); coding-DNA position 300, C replaced by G.
Protein change: p.Thr100=; no amino-acid change (threonine 100 retained).
Molecular consequence: synonymous variant.
Genome position (GRCh38, 1-based): chr17:37,744,585, G>C on the plus strand (C>G on the coding strand, the complement: HNF1B is on the minus strand). VCF-style: chr17-37744585-G-C. GRCh37 (hg19) VCF-style: chr17-36104576-G-C.
Other names: c.300C>G, p.Thr100= (NM_001165923.4, NM_001304286.2, NM_001411100.1); c.300C>G (NM_000458.3).
Identifiers: ClinVar variation 3231754 (VCV003231754.4), dbSNP rs369134247, ClinGen allele CA8519121.